The following is an entry in ClinVar:

NM_032608.7(MYO18B):c.2232C>G (p.Ser744Arg)

Gene: MYO18B (myosin XVIIIB; plus strand). Cytogenetic location: 22q12.1.
Variant type: single nucleotide variant.
Coding change: c.2232C>G on transcript NM_032608.7 (MANE Select); coding-DNA position 2232, C replaced by G.
Protein change: p.Ser744Arg; replaces serine 744 with arginine.
Molecular consequence: missense variant.
Genome position (GRCh38, 1-based): chr22:25,781,754, C>G. VCF-style: chr22-25781754-C-G. GRCh37 (hg19) VCF-style: chr22-26177721-C-G.
Other names: c.2232C>G, p.Ser744Arg (NM_001318245.2); c.2232C>G (NM_032608.5); short protein forms S744R.
Identifiers: ClinVar variation 1491270 (VCV001491270.5), dbSNP rs371844616, ClinGen allele CA10160100.
Genomic context (GRCh38, chr22:25,781,754, plus strand): 5'-CCCAAAGCACTGACTGGGTGCCCCTCTTCTCTCCCTGCAGACAATGCTTTTGGAGAAGAG[C>G]CGCGTGGCACGGCAGCCGGAAGGGGAAAGTAACTTCCTGGTTTTCTCCCAGATGCTGGCT-3'
Protein context (NP_115997.5, residues 734-754): AQLQTMLLEK[Ser744Arg]RVARQPEGES

ClinVar aggregate classification (germline): Uncertain significance. Review status: criteria provided, multiple submitters, no conflicts (2 of 4 stars). 2 submissions from 2 submitters: Uncertain significance (2). Last evaluated 2023-02-15.

Conditions:
Inborn genetic diseases. Identifiers: MedGen C0950123, MeSH D030342.

Allele frequency attached by ClinVar (database versions not stated): 1000 Genomes Project 30x 0.00016.
gnomAD v4.1: 69 of 1,578,886 alleles (0.0044%); highest among the groups gnomAD compares: East Asian, 0.15%; 1 homozygote.

Submissions (2):

Ambry Genetics
Classification: Uncertain significance for Inborn genetic diseases. Last evaluated: 2023-02-15. Review status: criteria provided, single submitter. Criteria: Ambry Variant Classification Scheme 2023. Collection method: clinical testing. Allele origin: germline.

Labcorp Genetics (formerly Invitae), Labcorp
Classification: Uncertain significance. Last evaluated: 2022-09-19. Review status: criteria provided, single submitter. Criteria: Invitae Variant Classification Sherloc (09022015). Collection method: clinical testing. Allele origin: germline.
Comment: This sequence change replaces serine, which is neutral and polar, with arginine, which is basic and polar, at codon 744 of the MYO18B protein (p.Ser744Arg). This variant is present in population databases (rs371844616, gnomAD 0.2%). This variant has not been reported in the literature in individuals affected with MYO18B-related conditions. ClinVar contains an entry for this variant (Variation ID: 1491270). Algorithms developed to predict the effect of missense changes on protein structure and function are either unavailable or do not agree on the potential impact of this missense change (SIFT: "Not Available"; PolyPhen-2: "Benign"; Align-GVGD: "Not Available"). In summary, the available evidence is currently insufficient to determine the role of this variant in disease. Therefore, it has been classified as a Variant of Uncertain Significance.